The following is an entry in ClinVar:

ClinVar aggregate classification (germline): Uncertain significance. Review status: criteria provided, multiple submitters, no conflicts (2 of 4 stars). 2 submissions from 2 submitters: Uncertain significance (2). Last evaluated 2025-10-10.

Conditions:
Hereditary cancer-predisposing syndrome. Also called: Hereditary neoplastic syndrome; Tumor predisposition; Neoplastic Syndromes, Hereditary; Hereditary Cancer Syndrome. Identifiers: Orphanet 140162, MedGen C0027672, MeSH D009386, MONDO:0015356.
Ataxia-telangiectasia syndrome (AT). Also called: Ataxia telangiectasia (A-T); Cerebello-oculocutaneous telangiectasia; Immunodeficiency with ataxia telangiectasia; AT, COMPLEMENTATION GROUP C; ATAXIA-TELANGIECTASIA, COMPLEMENTATION GROUP A; ATAXIA-TELANGIECTASIA, FRESNO VARIANT. Identifiers: Orphanet 100, MedGen C0004135, MONDO:0008840, OMIM 208900.

Allele frequency attached by ClinVar (database versions not stated): TOPMed 0.00001.
gnomAD v4.1: 1 of 1,613,582 alleles (0.000062%); highest among the groups gnomAD compares: East Asian, 0.0022%; no homozygotes.

Submissions (2):

Ambry Genetics
Classification: Uncertain significance for Hereditary cancer-predisposing syndrome. Last evaluated: 2025-10-10. Review status: criteria provided, single submitter. Criteria: Ambry Variant Classification Scheme 2023. Collection method: clinical testing. Allele origin: germline.
Comment: The p.T554K variant (also known as c.1661C>A), located in coding exon 10 of the ATM gene, results from a C to A substitution at nucleotide position 1661. The threonine at codon 554 is replaced by lysine, an amino acid with similar properties. This amino acid position is not well conserved in available vertebrate species. In addition, this alteration is predicted to be tolerated by in silico analysis. Based on the available evidence, the clinical significance of this variant remains unclear.

Labcorp Genetics (formerly Invitae), Labcorp
Classification: Uncertain significance for Ataxia-telangiectasia syndrome. Last evaluated: 2024-11-05. Review status: criteria provided, single submitter. Criteria: Invitae Variant Classification Sherloc (09022015). Collection method: clinical testing. Allele origin: germline.
Comment: This sequence change replaces threonine, which is neutral and polar, with lysine, which is basic and polar, at codon 554 of the ATM protein (p.Thr554Lys). This variant is not present in population databases (gnomAD no frequency). This variant has not been reported in the literature in individuals affected with ATM-related conditions. ClinVar contains an entry for this variant (Variation ID: 855082). Invitae Evidence Modeling of protein sequence and biophysical properties (such as structural, functional, and spatial information, amino acid conservation, physicochemical variation, residue mobility, and thermodynamic stability) indicates that this missense variant is not expected to disrupt ATM protein function with a negative predictive value of 95%. Algorithms developed to predict the effect of sequence changes on RNA splicing suggest that this variant may disrupt the consensus splice site. In summary, the available evidence is currently insufficient to determine the role of this variant in disease. Therefore, it has been classified as a Variant of Uncertain Significance.

NM_000051.4(ATM):c.1661C>A (p.Thr554Lys)

Gene: ATM (ATM serine/threonine kinase; plus strand). Cytogenetic location: 11q22.3.
Variant type: single nucleotide variant.
Coding change: c.1661C>A on transcript NM_000051.4 (MANE Select); coding-DNA position 1661, C replaced by A.
Protein change: p.Thr554Lys; replaces threonine 554 with lysine.
Molecular consequence: missense variant.
Genome position (GRCh38, 1-based): chr11:108,251,890, C>A. VCF-style: chr11-108251890-C-A. GRCh37 (hg19) VCF-style: chr11-108122617-C-A.
Other names: c.1661C>A, p.Thr554Lys (NM_001351834.2); short protein forms T554K.
Identifiers: ClinVar variation 855082 (VCV000855082.11), dbSNP rs1060501694, ClinGen allele CA382535075.
Genomic context (GRCh38, chr11:108,251,890, plus strand): 5'-GTTATAGTCCTGCAGTATGCTGTTTGACTTTGGCACTGACCACCAGTATAGTTCCAGGAA[C>A]GGTAAAAATGGGAATAGAGCAAAATATGTGTGAAGTAAATAGAAGCTTTTCTTTAAAGGA-3'
Protein context (NP_000042.3, residues 544-564): LALTTSIVPG[Thr554Lys]VKMGIEQNMC